The following is an entry in ClinVar:

ClinVar aggregate classification (germline): Uncertain significance (1 of 4 stars; one submission).

Allele frequency attached by ClinVar (database versions not stated): gnomAD exomes below 0.00001; gnomAD 0.00001; TOPMed 0.00001.
gnomAD v4.1: 2 of 1,613,820 alleles (0.00012%); highest among the groups gnomAD compares: African/African-American, 0.0027%; no homozygotes.

Submission:

Labcorp Genetics (formerly Invitae), Labcorp
Classification: Uncertain significance. Last evaluated: 2020-11-19. Review status: criteria provided, single submitter. Criteria: Invitae Variant Classification Sherloc (09022015). Collection method: clinical testing. Allele origin: germline.
Comment: In summary, the available evidence is currently insufficient to determine the role of this variant in disease. Therefore, it has been classified as a Variant of Uncertain Significance. Algorithms developed to predict the effect of missense changes on protein structure and function are either unavailable or do not agree on the potential impact of this missense change (SIFT: "Deleterious"; PolyPhen-2: "Probably Damaging"; Align-GVGD: "Class C0"). This variant has not been reported in the literature in individuals with ARHGEF1-related conditions. This variant is not present in population databases (ExAC no frequency). This sequence change replaces serine with arginine at codon 500 of the ARHGEF1 protein (p.Ser500Arg). The serine residue is highly conserved and there is a moderate physicochemical difference between serine and arginine.

NM_004706.4(ARHGEF1):c.1455T>A (p.Ser485Arg)

Gene: ARHGEF1 (Rho guanine nucleotide exchange factor 1; plus strand). Cytogenetic location: 19q13.2.
Variant type: single nucleotide variant.
Coding change: c.1455T>A on transcript NM_004706.4 (MANE Select); coding-DNA position 1455, T replaced by A.
Protein change: p.Ser485Arg; replaces serine 485 with arginine.
Molecular consequence: missense variant.
Genome position (GRCh38, 1-based): chr19:41,902,314, T>A. VCF-style: chr19-41902314-T-A. GRCh37 (hg19) VCF-style: chr19-42406464-T-A.
Other names: c.1356T>A, p.Ser452Arg (NM_198977.2); c.1500T>A, p.Ser500Arg (NM_199002.2); short protein forms S452R, S485R, S500R.
Identifiers: ClinVar variation 1500292 (VCV001500292.8), dbSNP rs1269912668, ClinGen allele CA406060921.
Genomic context (GRCh38, chr19:41,902,314, plus strand): 5'-CTTTCCTCCTGCCCCCACAGCCCTGTTCCTCGATCGCCTGATGAAGCGGAGGCAGGAGAG[T>A]GGCTACCTCATCGAGGAGATCGGAGACGTGCTGCTGGCCCGGGTGAGATGCCCAGCCCTC-3'
Protein context (NP_004697.2, residues 475-495): LDRLMKRRQE[Ser485Arg]GYLIEEIGDV